The following is an entry in ClinVar:

NM_015662.3(IFT172):c.2238_2241dup (p.Met748fs)

Gene: IFT172 (intraflagellar transport 172; minus strand). Cytogenetic location: 2p23.3.
Variant type: Duplication.
Coding change: c.2238_2241dup on transcript NM_015662.3 (MANE Select); coding-DNA positions 2238 to 2241, 4 bases duplicated (GCTG; older notation c.2238_2241dupGCTG).
Protein change: p.Met748fs; shifts the reading frame from methionine 748.
Molecular consequence: frameshift variant.
Genome position (GRCh38, 1-based): chr2:27,461,470-27,461,473, CAGC duplicated on the plus strand (GCTG on the coding strand, the reverse complement: IFT172 is on the minus strand); duplicating any 4 consecutive bases within chr2:27,461,470-27,461,475 gives the same sequence; the c. name uses the placement nearest the transcript's 3' end. VCF-style (leftmost placement, unchanged base first): chr2-27461469-T-TCAGC. GRCh37 (hg19) VCF-style: chr2-27684336-T-TCAGC.
Other names: c.2172_2175dup, p.Met726fs (NM_001410739.1); short protein forms M726fs, M748fs.
Identifiers: ClinVar variation 3358493 (VCV003358493.1).

ClinVar aggregate classification (germline): Pathogenic (0 of 4 stars; one submission).

Conditions:
IFT172-related disorder. Also called: IFT172-related disorders; IFT172-related condition.

Submission:

PreventionGenetics, part of Exact Sciences
Classification: Pathogenic for IFT172-related condition. Last evaluated: 2024-06-01. Review status: no assertion criteria provided. Collection method: clinical testing. Allele origin: germline.
Comment: The IFT172 c.2238_2241dupGCTG variant is predicted to result in a frameshift and premature protein termination (p.Met748Alafs*12). To our knowledge, this variant has not been reported in the literature or in a large population database, indicating this variant is rare. Frameshift variants in IFT172 are expected to be pathogenic. This variant is interpreted as pathogenic.